The following is an entry in ClinVar:

ClinVar aggregate classification (germline): Uncertain significance (1 of 4 stars; one submission).

Submission:

Dasa
Classification: Uncertain significance. Last evaluated: 2026-07-30. Review status: criteria provided, single submitter. Criteria: DASA Assertion Criteria. Collection method: clinical testing. Allele origin: germline.
Comment: NM_001382567.1(STIM1):c.1670A>T (p.His557Leu) is a missense variant that results in the substitution of histidine with leucine. This variant is rare in population databases. Computational prediction algorithms are consistent with a benign effect. The currently available literature and clinical evidence are not sufficient to establish a definitive association between this variant and the reported condition. Therefore, this variant is classified as a variant of uncertain significance.

NM_001382567.1(STIM1):c.1670A>T (p.His557Leu)

Gene: STIM1 (stromal interaction molecule 1; plus strand). Cytogenetic location: 11p15.4.
Variant type: single nucleotide variant.
Coding change: c.1670A>T on transcript NM_001382567.1 (MANE Select); coding-DNA position 1670, A replaced by T.
Protein change: p.His557Leu; replaces histidine 557 with leucine.
Molecular consequence: missense variant. On other transcripts: synonymous variant (4), non-coding transcript variant (3).
Genome position (GRCh38, 1-based): chr11:4,091,317, A>T. VCF-style: chr11-4091317-A-T. GRCh37 (hg19) VCF-style: chr11-4112547-A-T.
Other names: c.1895A>T, p.His632Leu (NM_001277961.3); c.1614A>T, p.Pro538= (NM_001277962.2); c.1673A>T, p.His558Leu (NM_001382566.1); c.1598A>T, p.His533Leu (NM_001382568.1); c.1442A>T, p.His481Leu (NM_001382569.1); c.1349A>T, p.His450Leu (NM_001382570.1); c.1097A>T, p.His366Leu (NM_001382571.1); c.1355A>T, p.His452Leu (NM_001382575.1, NM_001382576.1, NM_001382577.1); and 4 more; short protein forms H363L, H366L, H450L, H452L, H481L, H526L, H533L, H557L.
Identifiers: ClinVar variation 5021031 (VCV005021031.1).